The following is an entry in ClinVar:

NM_024675.4(PALB2):c.212-16dup

Gene: PALB2 (partner and localizer of BRCA2; minus strand). Cytogenetic location: 16p12.2.
Variant type: Duplication.
Coding change: c.212-16dup on transcript NM_024675.4 (MANE Select); 16 bases into the intron before coding-DNA position 212, one base duplicated (T; older notation c.212-16dupT).
Molecular consequence: intron variant.
Genome position (GRCh38, 1-based): chr16:23,636,344, A duplicated on the plus strand (T on the coding strand, the reverse complement: PALB2 is on the minus strand); the first of 7 consecutive A bases (chr16:23,636,344-23,636,350); duplicating any one gives the same sequence. VCF-style (leftmost placement, unchanged base first): chr16-23636343-G-GA. GRCh37 (hg19) VCF-style: chr16-23647664-G-GA.
Identifiers: ClinVar variation 1167672 (VCV001167672.13), dbSNP rs766487430, ClinGen allele CA621335391.

ClinVar aggregate classification (germline): Benign/Likely benign. Review status: criteria provided, multiple submitters, no conflicts (2 of 4 stars). 3 submissions from 3 submitters: Benign (1); Likely benign (2). Last evaluated 2026-01-27.

Conditions:
Hereditary cancer-predisposing syndrome. Also called: Hereditary Cancer Syndrome; Hereditary neoplastic syndrome; Neoplastic Syndromes, Hereditary; Tumor predisposition. Identifiers: Orphanet 140162, MedGen C0027672, MeSH D009386, MONDO:0015356.
Familial cancer of breast. Also called: BREAST CANCER, FAMILIAL; hereditary breast carcinoma; Hereditary breast cancer. Identifiers: Orphanet 227535, MedGen C0346153, MONDO:0016419, OMIM 114480. Disease mechanism: loss of function.

Submissions (3):

Labcorp Genetics (formerly Invitae), Labcorp
Classification: Benign for Familial cancer of breast. Last evaluated: 2026-01-27. Review status: criteria provided, single submitter. Criteria: Invitae Variant Classification Sherloc (09022015). Collection method: clinical testing. Allele origin: germline.

Myriad Genetics, Inc.
Classification: Likely benign for Familial cancer of breast. Last evaluated: 2025-01-10. Review status: criteria provided, single submitter. Criteria: Myriad Autosomal Dominant, Autosomal Recessive and X-Linked Classification Criteria (2023). Collection method: clinical testing. Allele origin: unknown.
Comment: This variant is considered likely benign. This variant is intronic and is not expected to impact mRNA splicing.

Color Diagnostics, LLC DBA Color Health
Classification: Likely benign for Hereditary cancer-predisposing syndrome. Last evaluated: 2020-10-12. Review status: criteria provided, single submitter. Criteria: ACMG Guidelines, 2015. Collection method: clinical testing. Allele origin: germline.